The following is an entry in ClinVar:

ClinVar aggregate classification (germline): Uncertain significance (1 of 4 stars; one submission).

Conditions:
Dilated cardiomyopathy 1AA (CMD1AA). Also called: CARDIOMYOPATHY, DILATED, 1AA, WITH OR WITHOUT LEFT VENTRICULAR NONCOMPACTION; CARDIOMYOPATHY, FAMILIAL HYPERTROPHIC, 23, WITH OR WITHOUT LEFT VENTRICULAR NONCOMPACTION; Cardiomyopathy, dilated, 1AA, with or without LVNC. Identifiers: Orphanet 154, MedGen C2677338, MONDO:0012808, OMIM 612158.
Primary familial hypertrophic cardiomyopathy (HCM). Identifiers: Orphanet 99739, MedGen C0949658, MeSH D024741, MONDO:0024573. Inheritance: Various modes of inheritance.

Submission:

Labcorp Genetics (formerly Invitae), Labcorp
Classification: Uncertain significance for Primary familial hypertrophic cardiomyopathy; Dilated cardiomyopathy 1AA. Last evaluated: 2022-05-19. Review status: criteria provided, single submitter. Criteria: Invitae Variant Classification Sherloc (09022015). Collection method: clinical testing. Allele origin: germline.
Comment: This sequence change creates a premature translational stop signal (p.Arg492*) in the ACTN2 gene. It is expected to result in an absent or disrupted protein product. However, the current clinical and genetic evidence is not sufficient to establish whether loss-of-function variants in ACTN2 cause disease. This variant is not present in population databases (gnomAD no frequency). This variant has not been reported in the literature in individuals affected with ACTN2-related conditions. In summary, the available evidence is currently insufficient to determine the role of this variant in disease. Therefore, it has been classified as a Variant of Uncertain Significance.

NM_001103.4(ACTN2):c.1474C>T (p.Arg492Ter)

Gene: ACTN2 (actinin alpha 2; plus strand). Cytogenetic location: 1q43.
Variant type: single nucleotide variant.
Coding change: c.1474C>T on transcript NM_001103.4 (MANE Select); coding-DNA position 1474, C replaced by T.
Protein change: p.Arg492Ter; replaces arginine 492 with a stop codon.
Molecular consequence: nonsense.
Genome position (GRCh38, 1-based): chr1:236,747,734, C>T. VCF-style: chr1-236747734-C-T. GRCh37 (hg19) VCF-style: chr1-236911034-C-T.
Other names: c.1474C>T, p.Arg492Ter (NM_001278343.2); c.850C>T, p.Arg284Ter (NM_001278344.2); c.724C>T, p.Arg242Ter (NM_001412150.1); short protein forms R242*, R492*, R284*.
Identifiers: ClinVar variation 1917577 (VCV001917577.5), dbSNP rs2527623768, ClinGen allele CA345384097.